The following is an entry in ClinVar:

NM_000466.3(PEX1):c.2518_2520del (p.Asp840del)

Gene: PEX1 (peroxisomal biogenesis factor 1; minus strand). Cytogenetic location: 7q21.2.
Variant type: Deletion.
Coding change: c.2518_2520del on transcript NM_000466.3 (MANE Select); coding-DNA positions 2518 to 2520, 3 bases deleted (GAC; older notation c.2518_2520delGAC).
Protein change: p.Asp840del; deletes aspartic acid 840.
Molecular consequence: inframe deletion.
Genome position (GRCh38, 1-based): chr7:92,501,570-92,501,572, GTC deleted on the plus strand (GAC on the coding strand, the reverse complement: PEX1 is on the minus strand). VCF-style (leftmost placement, unchanged base first): chr7-92501569-TGTC-T. GRCh37 (hg19) VCF-style: chr7-92130883-TGTC-T.
Other names: c.2347_2349del, p.Asp783del (NM_001282677.2); c.1894_1896del, p.Asp632del (NM_001282678.2); short protein forms D840del, D783del, D632del.
Identifiers: ClinVar variation 550854 (VCV000550854.6), dbSNP rs1385204416, ClinGen allele CA658822689.
Genomic context (GRCh38, chr7:92,501,569, plus strand): 5'-TGGCAGGTAACTGGATAGTATCCATGAGTATCTGCCTAACTTCATGTAACCCACCAATCT[TGTC>T]CCAACCCAGGTCTCTAGGTTTATGCAGGTTGACACTTCGCAAAGACGCAGGAAGAAATCC-3'

ClinVar aggregate classification (germline): Uncertain significance. Review status: criteria provided, single submitter (1 of 4 stars). 2 submissions from 2 submitters: Uncertain significance (1). 1 of the submissions does not count toward it. Last evaluated 2023-10-30.

Conditions:
Zellweger spectrum disorders (ZS). Also called: Zellweger syndrome; Zellweger Spectrum Disorder; Zellweger Spectrum; Zellweger Spectrum Disorder (ZSD). Identifiers: Orphanet 912, MedGen C0043459, MONDO:0019609.
Peroxisome biogenesis disorder 1A (Zellweger) (PBD1A). Also called: Zellweger leukodystrophy; Peroxisome biogenesis disorder 1a. Identifiers: MedGen C4721541, MONDO:0008953, OMIM 214100.

Allele frequency attached by ClinVar (database versions not stated): gnomAD exomes below 0.00001; TOPMed below 0.00001; gnomAD 0.00001.

Submissions (2):

Labcorp Genetics (formerly Invitae), Labcorp
Classification: Uncertain significance for Zellweger spectrum disorders. Last evaluated: 2023-10-30. Review status: criteria provided, single submitter. Criteria: Invitae Variant Classification Sherloc (09022015). Collection method: clinical testing. Allele origin: germline.
Comment: This variant, c.2518_2520del, results in the deletion of 1 amino acid(s) of the PEX1 protein (p.Asp840del), but otherwise preserves the integrity of the reading frame. This variant is not present in population databases (gnomAD no frequency). This variant has not been reported in the literature in individuals affected with PEX1-related conditions. ClinVar contains an entry for this variant (Variation ID: 550854). Experimental studies and prediction algorithms are not available or were not evaluated, and the functional significance of this variant is currently unknown. In summary, the available evidence is currently insufficient to determine the role of this variant in disease. Therefore, it has been classified as a Variant of Uncertain Significance.

Counsyl
Classification: Uncertain significance for Peroxisome biogenesis disorder 1A (Zellweger). Last evaluated: 2017-02-24. Review status: no assertion criteria provided. Collection method: clinical testing. Allele origin: unknown. Not counted in ClinVar's aggregate classification.